The following is an entry in ClinVar:

ClinVar aggregate classification (germline): Uncertain significance. Review status: criteria provided, multiple submitters, no conflicts (2 of 4 stars). 3 submissions from 3 submitters: Uncertain significance (2). 1 of the submissions does not count toward it. Last evaluated 2026-01-08.

Conditions:
Cardiovascular phenotype. Identifiers: MedGen CN230736.
Duchenne muscular dystrophy (DMD). Also called: Duchenne Muscular Dystrophy (DMD); MUSCULAR DYSTROPHY, PSEUDOHYPERTROPHIC PROGRESSIVE, DUCHENNE TYPE. Identifiers: Orphanet 98896, MedGen C0013264, MONDO:0010679, OMIM 310200.
Cardiomyopathy (CMYO). Also called: Cardiomyopathies. Identifiers: Orphanet 167848, MedGen C0878544, MONDO:0004994, HP:0001638. Inheritance: Various modes of inheritance.
Dystrophin deficiency.
Becker muscular dystrophy (BMD). Also called: MUSCULAR DYSTROPHY, PSEUDOHYPERTROPHIC PROGRESSIVE, BECKER TYPE; Becker Muscular Dystrophy (BMD). Identifiers: Orphanet 98895, MedGen C0917713, MONDO:0010311, OMIM 300376.

Allele frequency attached by ClinVar (database versions not stated): ExAC 0.00001; gnomAD exomes 0.00001; gnomAD 0.00005; TOPMed 0.00005; ESP Exome Variant Server 0.00009.
gnomAD v4.1: 13 of 1,208,784 alleles (0.0011%); highest among the groups gnomAD compares: African/African-American, 0.019%; no homozygotes.

Submissions (3):

Ambry Genetics
Classification: Uncertain significance for Cardiovascular phenotype. Last evaluated: 2026-01-08. Review status: criteria provided, single submitter. Criteria: Ambry Variant Classification Scheme 2023. Collection method: clinical testing. Allele origin: germline.
Comment: The p.R2809C variant (also known as c.8425C>T), located in coding exon 57 of the DMD gene, results from a C to T substitution at nucleotide position 8425. The arginine at codon 2809 is replaced by cysteine, an amino acid with highly dissimilar properties. This amino acid position is highly conserved in available vertebrate species. In addition, this alteration is predicted to be deleterious by in silico analysis. Based on data from gnomAD, the T allele has an overall frequency of 0.0011% (2/178382) total alleles studied, with no hemizygote(s) observed. The highest observed frequency was 0.0156% (2/12844) of African/African American alleles. Based on the available evidence, the clinical significance of this variant remains unclear.

Labcorp Genetics (formerly Invitae), Labcorp
Classification: Uncertain significance for Duchenne muscular dystrophy. Last evaluated: 2025-10-21. Review status: criteria provided, single submitter. Criteria: Invitae Variant Classification Sherloc (09022015). Collection method: clinical testing. Allele origin: germline.
Comment: This sequence change replaces arginine, which is basic and polar, with cysteine, which is neutral and slightly polar, at codon 2809 of the DMD protein (p.Arg2809Cys). The frequency data for this variant in the population databases is considered unreliable, as metrics indicate poor data quality at this position in the gnomAD database. This variant has not been reported in the literature in individuals affected with DMD-related conditions. ClinVar contains an entry for this variant (Variation ID: 944542). Invitae Evidence Modeling of protein sequence and biophysical properties (such as structural, functional, and spatial information, amino acid conservation, physicochemical variation, residue mobility, and thermodynamic stability) indicates that this missense variant is not expected to disrupt DMD protein function with a negative predictive value of 95%. In summary, the available evidence is currently insufficient to determine the role of this variant in disease. Therefore, it has been classified as a Variant of Uncertain Significance.

Natera, Inc.
Classification: Uncertain significance for Becker muscular dystrophy; Cardiomyopathy; Duchenne muscular dystrophy; Dystrophin deficiency. Last evaluated: 2018-10-23. Review status: no assertion criteria provided. Collection method: clinical testing. Allele origin: germline. Not counted in ClinVar's aggregate classification.

NM_004006.3(DMD):c.8425C>T (p.Arg2809Cys)

Gene: DMD (dystrophin; minus strand). Cytogenetic location: Xp21.2.
Variant type: single nucleotide variant.
Coding change: c.8425C>T on transcript NM_004006.3 (MANE Select); coding-DNA position 8425, C replaced by T.
Protein change: p.Arg2809Cys; replaces arginine 2809 with cysteine.
Molecular consequence: missense variant.
Genome position (GRCh38, 1-based): chrX:31,496,910, G>A on the plus strand (C>T on the coding strand, the complement: DMD is on the minus strand). VCF-style: chrX-31496910-G-A. GRCh37 (hg19) VCF-style: chrX-31515027-G-A.
Other names: c.8401C>T, p.Arg2801Cys (NM_000109.4); c.8413C>T, p.Arg2805Cys (NM_004009.3); c.8056C>T, p.Arg2686Cys (NM_004010.3); c.4402C>T, p.Arg1468Cys (NM_004011.4); c.4393C>T, p.Arg1465Cys (NM_004012.4); c.1045C>T, p.Arg349Cys (NM_004013.3, NM_004020.4, NM_004021.3 and 2 more transcripts); c.238C>T, p.Arg80Cys (NM_004014.3); short protein forms R1465C, R2805C, R2809C, R349C, R80C, R1468C, R2686C, R2801C.
Identifiers: ClinVar variation 944542 (VCV000944542.9), dbSNP rs143389016, ClinGen allele CA10378069.